The following is an entry in ClinVar:

ClinVar aggregate classification (germline): Uncertain significance. Review status: criteria provided, multiple submitters, no conflicts (2 of 4 stars). 6 submissions from 6 submitters: Uncertain significance (6). Last evaluated 2025-12-20.

Conditions:
Mitochondrial complex II deficiency, nuclear type 1. Also called: SUCCINATE CoQ REDUCTASE DEFICIENCY. Identifiers: Orphanet 3208, MedGen C5700310, MONDO:0100294, OMIM 252011.
Pheochromocytoma/paraganglioma syndrome 5. Also called: Paragangliomas 5; SDHA-Related Hereditary Paraganglioma-Pheochromocytoma Syndrome. Identifiers: Orphanet 29072, MedGen C3279992, MONDO:0013602, OMIM 614165.
Dilated cardiomyopathy 1GG (CMD1GG). Identifiers: Orphanet 154, MedGen C3150898, MONDO:0013339, OMIM 613642.
Neurodegeneration with ataxia and late-onset optic atrophy. Identifiers: MedGen C5543254, MONDO:0031006, OMIM 619259.
Hereditary cancer-predisposing syndrome. Also called: Neoplastic Syndromes, Hereditary; Hereditary Cancer Syndrome; Hereditary neoplastic syndrome; Tumor predisposition. Identifiers: Orphanet 140162, MedGen C0027672, MeSH D009386, MONDO:0015356.

Allele frequency attached by ClinVar (database versions not stated): ExAC 0.00002; gnomAD exomes 0.00002; gnomAD 0.00004; TOPMed 0.00006.

Submissions (6):

Labcorp Genetics (formerly Invitae), Labcorp
Classification: Uncertain significance for Pheochromocytoma/paraganglioma syndrome 5; Mitochondrial complex II deficiency, nuclear type 1. Last evaluated: 2025-12-20. Review status: criteria provided, single submitter. Criteria: Invitae Variant Classification Sherloc (09022015). Collection method: clinical testing. Allele origin: germline.
Comment: This sequence change replaces alanine, which is neutral and non-polar, with valine, which is neutral and non-polar, at codon 334 of the SDHA protein (p.Ala334Val). This variant is present in population databases (rs765180271, gnomAD 0.02%). This missense change has been observed in individual(s) with clinical features of SDHA-related conditions (internal data). ClinVar contains an entry for this variant (Variation ID: 472293). Invitae Evidence Modeling of protein sequence and biophysical properties (such as structural, functional, and spatial information, amino acid conservation, physicochemical variation, residue mobility, and thermodynamic stability) indicates that this missense variant is not expected to disrupt SDHA protein function with a negative predictive value of 95%. In summary, the available evidence is currently insufficient to determine the role of this variant in disease. Therefore, it has been classified as a Variant of Uncertain Significance.

Women's Health and Genetics/Laboratory Corporation of America, LabCorp
Classification: Uncertain significance. Last evaluated: 2025-02-24. Review status: criteria provided, single submitter. Criteria: LabCorp Variant Classification Summary - May 2015. Collection method: clinical testing. Allele origin: germline.
Comment: Variant summary: SDHA c.1001C>T (p.Ala334Val) results in a non-conservative amino acid change in the encoded protein sequence. Three of five in-silico tools predict a damaging effect of the variant on protein function. The variant allele was found at a frequency of 2e-05 in 251496 control chromosomes. The available data on variant occurrences in the general population are insufficient to allow any conclusion about variant significance. c.1001C>T has been observed in at least one individual with features consistent with a SDHA-related disorder (Labcorp Genetics (formerly Invitae)). These data do not allow any conclusion about variant significance. To our knowledge, no experimental evidence demonstrating an impact on protein function has been reported. ClinVar contains an entry for this variant (Variation ID: 472293). Based on the evidence outlined above, the variant was classified as uncertain significance.

Ambry Genetics
Classification: Uncertain significance for Hereditary cancer-predisposing syndrome. Last evaluated: 2025-02-09. Review status: criteria provided, single submitter. Criteria: Ambry Variant Classification Scheme 2023. Collection method: clinical testing. Allele origin: germline.
Comment: The p.A334V variant (also known as c.1001C>T), located in coding exon 8 of the SDHA gene, results from a C to T substitution at nucleotide position 1001. The alanine at codon 334 is replaced by valine, an amino acid with similar properties. This amino acid position is highly conserved in available vertebrate species. In addition, this alteration is predicted to be tolerated by in silico analysis. Since supporting evidence is limited at this time, the clinical significance of this alteration remains unclear.

Baylor Genetics
Classification: Uncertain significance for Dilated cardiomyopathy 1GG. Last evaluated: 2024-01-30. Review status: criteria provided, single submitter. Criteria: ACMG Guidelines, 2015. Collection method: clinical testing. Allele origin: unknown.

GeneDx
Classification: Uncertain significance. Last evaluated: 2022-07-28. Review status: criteria provided, single submitter. Criteria: GeneDx Variant Classification Process June 2021. Collection method: clinical testing. Allele origin: germline. Affected: yes.
Comment: In silico analysis supports that this missense variant has a deleterious effect on protein structure/function; Has not been previously published as pathogenic or benign to our knowledge

Fulgent Genetics
Classification: Uncertain significance for Mitochondrial complex II deficiency, nuclear type 1; Dilated cardiomyopathy 1GG; Pheochromocytoma/paraganglioma syndrome 5; Neurodegeneration with ataxia and late-onset optic atrophy. Last evaluated: 2021-08-12. Review status: criteria provided, single submitter. Criteria: ACMG Guidelines, 2015. Collection method: clinical testing. Allele origin: unknown.

NM_004168.4(SDHA):c.1001C>T (p.Ala334Val)

Gene: SDHA (succinate dehydrogenase complex flavoprotein subunit A; plus strand). Cytogenetic location: 5p15.33.
Variant type: single nucleotide variant.
Coding change: c.1001C>T on transcript NM_004168.4 (MANE Select); coding-DNA position 1001, C replaced by T.
Protein change: p.Ala334Val; replaces alanine 334 with valine.
Molecular consequence: missense variant.
Genome position (GRCh38, 1-based): chr5:233,582, C>T. VCF-style: chr5-233582-C-T. GRCh37 (hg19) VCF-style: chr5-233697-C-T.
Other names: c.857C>T, p.Ala286Val (NM_001294332.2); c.1001C>T, p.Ala334Val (NM_001330758.2); short protein forms A334V, A286V.
Identifiers: ClinVar variation 472293 (VCV000472293.20), dbSNP rs765180271, ClinGen allele CA3173062.